The following is an entry in ClinVar:

NM_001244008.2(KIF1A):c.618G>A (p.Ala206=)

Gene: KIF1A (kinesin family member 1A; minus strand). Cytogenetic location: 2q37.3.
Variant type: single nucleotide variant.
Coding change: c.618G>A on transcript NM_001244008.2 (MANE Select); coding-DNA position 618, G replaced by A.
Protein change: p.Ala206=; no amino-acid change (alanine 206 retained).
Molecular consequence: synonymous variant.
Genome position (GRCh38, 1-based): chr2:240,785,091, C>T on the plus strand (G>A on the coding strand, the complement: KIF1A is on the minus strand). VCF-style: chr2-240785091-C-T. GRCh37 (hg19) VCF-style: chr2-241724508-C-T.
Other names: c.618G>A, p.Ala206= (NM_001320705.2, NM_001330289.2, NM_001330290.2 and 20 more transcripts).
Identifiers: ClinVar variation 704557 (VCV000704557.17), dbSNP rs137913879, ClinGen allele CA2208715.

ClinVar aggregate classification (germline): Benign/Likely benign. Review status: criteria provided, multiple submitters, no conflicts (2 of 4 stars). 6 submissions from 6 submitters: Benign (3); Likely benign (3). Last evaluated 2026-07-14.

Conditions:
KIF1A-related disorder. Also called: KIF1A-related disorders; KIF1A-related condition.
Intellectual disability, autosomal dominant 9 (NESCAVS). Also called: KIF1A-Related Neurodevelopmental Disorder; NESCAV SYNDROME. Identifiers: Orphanet 662367, MedGen C5393830, MONDO:0013656, OMIM 614255.
Neuropathy, hereditary sensory, type 2C. Also called: KIF1A-Related HSAN2 (HSAN2C); Hereditary sensory and autonomic neuropathy type IIC. Identifiers: Orphanet 970, MedGen C3280168, MONDO:0013634, OMIM 614213.
Hereditary spastic paraplegia 30. Identifiers: Orphanet 101010, MedGen C5235139, MONDO:0012476.

Allele frequency attached by ClinVar (database versions not stated): gnomAD exomes 0.00020; ExAC 0.00025; ESP Exome Variant Server 0.00054; gnomAD 0.00056 and 0.00059; 1000 Genomes Project 0.00060; 1000 Genomes Project 30x 0.00062; TOPMed 0.00076.
gnomAD v4.1: 161 of 1,612,766 alleles (0.01%); highest among the groups gnomAD compares: African/African-American, 0.19%; no homozygotes.

Submissions (6):

PreventionGenetics, part of Exact Sciences
Classification: Likely benign for KIF1A-related condition. Last evaluated: 2026-07-14. Review status: criteria provided, single submitter. Criteria: ACMG Guidelines, 2015. Collection method: clinical testing. Allele origin: germline.
Comment: This variant is classified as likely benign based on ACMG/AMP sequence variant interpretation guidelines (Richards et al. 2015 PMID: 25741868, with internal and published modifications).

Labcorp Genetics (formerly Invitae), Labcorp
Classification: Benign for Hereditary spastic paraplegia 30; Neuropathy, hereditary sensory, type 2C; Intellectual disability, autosomal dominant 9. Last evaluated: 2026-01-13. Review status: criteria provided, single submitter. Criteria: Invitae Variant Classification Sherloc (09022015). Collection method: clinical testing. Allele origin: germline.

ARUP Laboratories, Molecular Genetics and Genomics, ARUP Laboratories
Classification: Benign. Last evaluated: 2024-09-17. Review status: criteria provided, single submitter. Criteria: ARUP Molecular Germline Variant Investigation Process 2024. Collection method: clinical testing. Allele origin: germline.

Blueprint Genetics
Classification: Likely benign. Last evaluated: 2024-08-28. Review status: criteria provided, single submitter. Criteria: ACMG Guidelines, 2015. Collection method: clinical testing. Allele origin: germline.

Athena Diagnostics
Classification: Benign. Last evaluated: 2020-11-03. Review status: criteria provided, single submitter. Criteria: Athena Diagnostics criteria. Collection method: clinical testing. Allele origin: unknown.

GeneDx
Classification: Likely benign. Last evaluated: 2020-10-21. Review status: criteria provided, single submitter. Criteria: GeneDx Variant Classification Process June 2021. Collection method: clinical testing. Allele origin: germline. Affected: yes.